The following is an entry in ClinVar:

NM_138694.4(PKHD1):c.6922_6931delinsTGATCAGGT (p.Ala2308_Leu2311delinsTer)

Gene: PKHD1 (PKHD1 ciliary IPT domain containing fibrocystin/polyductin; minus strand). Cytogenetic location: 6p12.2.
Variant type: Indel.
Coding change: c.6922_6931delinsTGATCAGGT on transcript NM_138694.4 (MANE Select); coding-DNA positions 6922 to 6931, GCCGAGGGAC replaced by TGATCAGGT.
Protein change: p.Ala2308_Leu2311delinsTer.
Molecular consequence: nonsense.
Genome position (GRCh38, 1-based): chr6:51,903,662-51,903,671, GTCCCTCGGC replaced by ACCTGATCA on the plus strand (GCCGAGGGAC replaced by TGATCAGGT on the coding strand, the reverse complement: PKHD1 is on the minus strand). VCF-style: chr6-51903662-GTCCCTCGGC-ACCTGATCA. GRCh37 (hg19) VCF-style: chr6-51768460-GTCCCTCGGC-ACCTGATCA.
Other names: c.6922_6931delinsTGATCAGGT, p.Ala2308_Leu2311delinsTer (NM_170724.3).
Identifiers: ClinVar variation 2632866 (VCV002632866.2), dbSNP rs2536525260, ClinGen allele CA2695198864.

ClinVar aggregate classification (germline): Likely pathogenic (0 of 4 stars; one submission).

Conditions:
PKHD1-related disorder. Also called: PKHD1-related condition.

Submission:

PreventionGenetics, part of Exact Sciences
Classification: Likely pathogenic for PKHD1-related condition. Last evaluated: 2024-07-07. Review status: no assertion criteria provided. Collection method: clinical testing. Allele origin: germline.
Comment: The PKHD1 c.6922_6931delinsTGATCAGGT variant is predicted to result in premature protein termination (p.Ala2308*). To our knowledge, this variant has not been reported in the literature or in a large population database, indicating this variant is rare. Nonsense variants in PKHD1 are expected to be pathogenic. This variant is interpreted as likely pathogenic.